The following is an entry in ClinVar:

ClinVar aggregate classification (germline): Uncertain significance (1 of 4 stars; one submission).

gnomAD v4.1: 7 of 1,210,985 alleles (0.00058%); highest among the groups gnomAD compares: Non-Finnish European, 0.00034%; no homozygotes.

Submission:

Labcorp Genetics (formerly Invitae), Labcorp
Classification: Uncertain significance. Last evaluated: 2024-07-29. Review status: criteria provided, single submitter. Criteria: Invitae Variant Classification Sherloc (09022015). Collection method: clinical testing. Allele origin: germline.
Comment: This sequence change replaces arginine, which is basic and polar, with tryptophan, which is neutral and slightly polar, at codon 694 of the CLCN4 protein (p.Arg694Trp). This variant is present in population databases (rs774722248, gnomAD 0.03%), including at least one homozygous and/or hemizygous individual. This variant has not been reported in the literature in individuals affected with CLCN4-related conditions. Advanced modeling of protein sequence and biophysical properties (such as structural, functional, and spatial information, amino acid conservation, physicochemical variation, residue mobility, and thermodynamic stability) has been performed at Invitae for this missense variant, however the output from this modeling did not meet the statistical confidence thresholds required to predict the impact of this variant on CLCN4 protein function. In summary, the available evidence is currently insufficient to determine the role of this variant in disease. Therefore, it has been classified as a Variant of Uncertain Significance.

NM_001830.4(CLCN4):c.2080C>T (p.Arg694Trp)

Gene: CLCN4 (chloride voltage-gated channel 4; plus strand). Cytogenetic location: Xp22.2.
Variant type: single nucleotide variant.
Coding change: c.2080C>T on transcript NM_001830.4 (MANE Select); coding-DNA position 2080, C replaced by T.
Protein change: p.Arg694Trp; replaces arginine 694 with tryptophan.
Molecular consequence: missense variant.
Genome position (GRCh38, 1-based): chrX:10,220,765, C>T. VCF-style: chrX-10220765-C-T. GRCh37 (hg19) VCF-style: chrX-10188805-C-T.
Other names: c.1798C>T, p.Arg600Trp (NM_001256944.2); short protein forms R600W, R694W.
Identifiers: ClinVar variation 3678023 (VCV003678023.2).